The following is an entry in ClinVar:

NM_001079843.3(CASZ1):c.4969_4998del (p.Pro1657_Ala1666del)

Gene: CASZ1 (castor zinc finger 1; minus strand). Cytogenetic location: 1p36.22.
Variant type: Deletion.
Coding change: c.4969_4998del on transcript NM_001079843.3 (MANE Select); coding-DNA positions 4969 to 4998, 30 bases deleted (CCCGGGCCGCGCGAGGGCGCCGCCGCCGCC).
Protein change: p.Pro1657_Ala1666del.
Molecular consequence: inframe deletion.
Genome position (GRCh38, 1-based): chr1:10,639,224-10,639,253, GGCGGCGGCGGCGCCCTCGCGCGGCCCGGG deleted on the plus strand (CCCGGGCCGCGCGAGGGCGCCGCCGCCGCC on the coding strand, the reverse complement: CASZ1 is on the minus strand); deleting any 30 consecutive bases within chr1:10,639,224-10,639,263 gives the same sequence; the c. name uses the placement nearest the transcript's 3' end. VCF-style (leftmost placement, unchanged base first): chr1-10639223-CGGCGGCGGCGGCGCCCTCGCGCGGCCCGGG-C. GRCh37 (hg19) VCF-style: chr1-10699280-CGGCGGCGGCGGCGCCCTCGCGCGGCCCGGG-C.
Identifiers: ClinVar variation 2722326 (VCV002722326.3), dbSNP rs1304140358, ClinGen allele CA885081454.

ClinVar aggregate classification (germline): Uncertain significance (1 of 4 stars; one submission).

Submission:

Labcorp Genetics (formerly Invitae), Labcorp
Classification: Uncertain significance. Last evaluated: 2025-04-13. Review status: criteria provided, single submitter. Criteria: Invitae Variant Classification Sherloc (09022015). Collection method: clinical testing. Allele origin: germline.
Comment: This variant, c.4969_4998del, results in the deletion of 10 amino acid(s) of the CASZ1 protein (p.Pro1657_Ala1666del), but otherwise preserves the integrity of the reading frame. The frequency data for this variant in the population databases is considered unreliable, as metrics indicate insufficient coverage at this position in the gnomAD database. This variant has not been reported in the literature in individuals affected with CASZ1-related conditions. ClinVar contains an entry for this variant (Variation ID: 2722326). Experimental studies and prediction algorithms are not available or were not evaluated, and the functional significance of this variant is currently unknown. In summary, the available evidence is currently insufficient to determine the role of this variant in disease. Therefore, it has been classified as a Variant of Uncertain Significance.